The following is an entry in ClinVar:

NM_002382.5(MAX):c.63+10C>G

Gene: MAX (MYC associated transcriptional regulator X; minus strand). Cytogenetic location: 14q23.3.
Variant type: single nucleotide variant.
Coding change: c.63+10C>G on transcript NM_002382.5 (MANE Select); 10 bases into the intron after coding-DNA position 63, C replaced by G.
Molecular consequence: intron variant.
Genome position (GRCh38, 1-based): chr14:65,101,536, G>C on the plus strand (C>G on the coding strand, the complement: MAX is on the minus strand). VCF-style: chr14-65101536-G-C. GRCh37 (hg19) VCF-style: chr14-65568254-G-C.
Other names: c.36+768C>G (NM_001271069.2, NM_145112.3, NM_001271068.2); c.63+10C>G (NM_197957.4, NM_145113.3, NM_145114.3); c.-212+10C>G (NM_001320415.2).
Identifiers: ClinVar variation 1585654 (VCV001585654.9), dbSNP rs764233219, ClinGen allele CA7232989.
Genomic context (GRCh38, chr14:65,101,536, plus strand): 5'-TTTCTCTCTGACCCCAAAAAGGAATAGAACTGAACGGAAATAAAAATGAAATGGAGAGTA[G>C]GAGACGTACCGCAGATTGAAACCTCGGTTGCTCTTCCTGGAATAAGAGAGAAAAAAAAAA-3'

ClinVar aggregate classification (germline): Likely benign. Review status: criteria provided, multiple submitters, no conflicts (2 of 4 stars). 2 submissions from 2 submitters: Likely benign (2). Last evaluated 2026-06-05.

Conditions:
Pheochromocytoma. Also called: MAX-Related Hereditary Paraganglioma-Pheochromocytoma Syndrome. Identifiers: Orphanet 29072, MedGen C0031511, MONDO:0008233, OMIM 171300, HP:0002666.
Hereditary pheochromocytoma and paraganglioma. Also called: Hereditary Paraganglioma-Pheochromocytoma Syndromes; Hereditary paragangliomas and pheochromocytomas; Hereditary pheochromocytoma-paraganglioma. Identifiers: Orphanet 29072, MedGen C4274332, MONDO:0017366.

Allele frequency attached by ClinVar (database versions not stated): ExAC 0.00001; gnomAD exomes below 0.00001.
gnomAD v4.1: 1 of 1,608,554 alleles (0.000062%); highest among the groups gnomAD compares: East Asian, 0.0022%; no homozygotes.

Submissions (2):

Myriad Genetics, Inc.
Classification: Likely benign for Pheochromocytoma. Last evaluated: 2026-06-05. Review status: criteria provided, single submitter. Criteria: Myriad Autosomal Dominant, Autosomal Recessive and X-Linked Classification Criteria (2023). Collection method: clinical testing. Allele origin: unknown.
Comment: This variant is considered likely benign. This variant is intronic and is not expected to impact mRNA splicing.

Labcorp Genetics (formerly Invitae), Labcorp
Classification: Likely benign for Hereditary pheochromocytoma and paraganglioma. Last evaluated: 2025-10-09. Review status: criteria provided, single submitter. Criteria: Invitae Variant Classification Sherloc (09022015). Collection method: clinical testing. Allele origin: germline.